The following is an entry in ClinVar:

NM_000051.4(ATM):c.4910-7T>C

Gene: ATM (ATM serine/threonine kinase; plus strand). Cytogenetic location: 11q22.3.
Variant type: single nucleotide variant.
Coding change: c.4910-7T>C on transcript NM_000051.4 (MANE Select); 7 bases into the intron before coding-DNA position 4910, T replaced by C.
Molecular consequence: intron variant.
Genome position (GRCh38, 1-based): chr11:108,297,280, T>C. VCF-style: chr11-108297280-T-C. GRCh37 (hg19) VCF-style: chr11-108168007-T-C.
Other names: c.4910-7T>C (NM_001351834.2).
Identifiers: ClinVar variation 631465 (VCV000631465.12), dbSNP rs3092872, ClinGen allele CA228383957.

ClinVar aggregate classification (germline): Likely benign. Review status: criteria provided, multiple submitters, no conflicts (2 of 4 stars). 3 submissions from 3 submitters: Likely benign (3). Last evaluated 2025-05-26.

Conditions:
Hereditary cancer-predisposing syndrome. Also called: Hereditary Cancer Syndrome; Neoplastic Syndromes, Hereditary; Tumor predisposition; Hereditary neoplastic syndrome. Identifiers: Orphanet 140162, MedGen C0027672, MeSH D009386, MONDO:0015356.
Ataxia-telangiectasia syndrome (AT). Also called: Ataxia-telangiectasia, complementation group D; AT, COMPLEMENTATION GROUP C; Ataxia-telangiectasia; ATAXIA-TELANGIECTASIA, COMPLEMENTATION GROUP A; ATAXIA-TELANGIECTASIA, FRESNO VARIANT; LOUIS-BAR SYNDROME. Identifiers: Orphanet 100, MedGen C0004135, MONDO:0008840, OMIM 208900.
Familial cancer of breast. Also called: BREAST CANCER, FAMILIAL; hereditary breast carcinoma; Hereditary breast cancer. Identifiers: Orphanet 227535, MedGen C0346153, MONDO:0016419, OMIM 114480. Disease mechanism: loss of function.

Submissions (3):

Labcorp Genetics (formerly Invitae), Labcorp
Classification: Likely benign for Ataxia-telangiectasia syndrome. Last evaluated: 2025-05-26. Review status: criteria provided, single submitter. Criteria: Invitae Variant Classification Sherloc (09022015). Collection method: clinical testing. Allele origin: germline.

Myriad Genetics, Inc.
Classification: Likely benign for Familial cancer of breast. Last evaluated: 2024-05-21. Review status: criteria provided, single submitter. Criteria: Myriad Autosomal Dominant, Autosomal Recessive and X-Linked Classification Criteria (2023). Collection method: clinical testing. Allele origin: unknown.
Comment: This variant is considered likely benign. This variant is intronic and is not expected to impact mRNA splicing.

Color Diagnostics, LLC DBA Color Health
Classification: Likely benign for Hereditary cancer-predisposing syndrome. Last evaluated: 2018-03-23. Review status: criteria provided, single submitter. Criteria: ACMG Guidelines, 2015. Collection method: clinical testing. Allele origin: germline.